The following is an entry in ClinVar:

ClinVar aggregate classification (germline): Uncertain significance. Review status: criteria provided, single submitter (1 of 4 stars). 2 submissions from 2 submitters: Uncertain significance (1). 1 of the submissions does not count toward it. Last evaluated 2013-11-25.

Conditions:
Autosomal recessive nonsyndromic hearing loss 31. Also called: WHIRLER, MOUSE, HOMOLOG OF. Identifiers: Orphanet 90636, MedGen C1846839, MONDO:0011767, OMIM 607084.
Usher syndrome type 2D. Also called: USHER SYNDROME, TYPE IID. Identifiers: Orphanet 231178, Orphanet 886, MedGen C1568249, MONDO:0012662, OMIM 611383.

Submissions (2):

Laboratory for Molecular Medicine, Mass General Brigham Personalized Medicine
Classification: Uncertain significance. Last evaluated: 2013-11-25. Review status: criteria provided, single submitter. Criteria: LMM Criteria. Collection method: clinical testing. Allele origin: germline. Observed: 1 variant allele.
Comment: Variant classified as Uncertain Significance - Favor Pathogenic. The Gln857X var iant in DFNB31 has not been previously reported in individuals with hearing loss or in large population studies. This nonsense variant leads to a premature term ination codon at position 857 which is 51 amino acid residues upstream of the ca nonical termination codon; however, the termination codon occurs within the last exon. Therefore, nonsense mediated decay is not expected to occur and the impac t to normal protein function cannot be predicted with certainty. In summary, the clinical significance of this variant cannot be determined with certainty; howe ver based upon the predicted loss of 51 amino acids due to the truncation, we wo uld lean towards a more likely pathogenic role.

Division of Human Genetics, Children's Hospital of Philadelphia
Classification: Uncertain significance for Autosomal recessive nonsyndromic hearing loss 31; Usher syndrome type 2D. Last evaluated: 2015-07-25. Review status: no assertion criteria provided. Collection method: research. Allele origin: germline. Affected: yes. Study: CSER-PediSeq. Not counted in ClinVar's aggregate classification.

NM_015404.4(WHRN):c.2569C>T (p.Gln857Ter)

Gene: WHRN (whirlin; minus strand). Cytogenetic location: 9q32.
Variant type: single nucleotide variant.
Coding change: c.2569C>T on transcript NM_015404.4 (MANE Select); coding-DNA position 2569, C replaced by T.
Protein change: p.Gln857Ter; replaces glutamine 857 with a stop codon.
Molecular consequence: nonsense.
Genome position (GRCh38, 1-based): chr9:114,402,909, G>A on the plus strand (C>T on the coding strand, the complement: WHRN is on the minus strand). VCF-style: chr9-114402909-G-A. GRCh37 (hg19) VCF-style: chr9-117165189-G-A.
Other names: c.1420C>T, p.Gln474Ter (NM_001083885.3); c.2566C>T, p.Gln856Ter (NM_001173425.2); c.1516C>T, p.Gln506Ter (NM_001346890.1); short protein forms Q857*, Q506*, Q856*, Q474*.
Identifiers: ClinVar variation 179365 (VCV000179365.5), dbSNP rs727504817, ClinGen allele CA184272.